The following is an entry in ClinVar:

NM_017841.4(SDHAF2):c.165dup (p.Gln56fs)

Gene: SDHAF2 (succinate dehydrogenase complex assembly factor 2; plus strand). Cytogenetic location: 11q12.2.
Variant type: Duplication.
Coding change: c.165dup on transcript NM_017841.4 (MANE Select); coding-DNA position 165, one base duplicated (G; older notation c.165dupG).
Protein change: p.Gln56fs; shifts the reading frame from glutamine 56.
Molecular consequence: frameshift variant.
Genome position (GRCh38, 1-based): chr11:61,437,753, G duplicated; the last of 2 consecutive G bases (chr11:61,437,752-61,437,753); duplicating either gives the same sequence. VCF-style (leftmost placement, unchanged base first): chr11-61437751-T-TG. GRCh37 (hg19) VCF-style: chr11-61205223-T-TG.
Other names: short protein forms Q56fs.
Identifiers: ClinVar variation 3385978 (VCV003385978.1).

ClinVar aggregate classification (germline): Pathogenic (1 of 4 stars; one submission).

Conditions:
Hereditary pheochromocytoma and paraganglioma. Also called: Hereditary Paraganglioma-Pheochromocytoma Syndromes; Hereditary pheochromocytoma-paraganglioma; Hereditary paragangliomas and pheochromocytomas. Identifiers: Orphanet 29072, MedGen C4274332, MONDO:0017366.

Submission:

All of Us Research Program, National Institutes of Health
Classification: Pathogenic for Hereditary pheochromocytoma and paraganglioma. Last evaluated: 2024-09-06. Review status: criteria provided, single submitter. Criteria: ACMG Guidelines, 2015. Collection method: clinical testing. Allele origin: germline. Inheritance: Autosomal dominant inheritance. Observed: 1 variant allele, 1 heterozygote.
Comment: The c.165dup (p.Gln56Alafs*5) variant in the exon 2 of SDHAF2 gene creates a premature termination codon that is predicted to lead to an absent or truncated protein product. Loss-of-function variants in SDHAF2 gene are known to be pathogenic (PMID: 22241717, 31687641, 26096992). This variant has not been reported in literature in individuals affected with SDHAF2-related conditions. This variant was found to be absent in the general population database gnomAD (v4.1.0). Other loss-of-function variants in this region are reported as pathogenic (p.Trp55*, p.Asp60*) in ClinVar. For these reasons, the c.165dup (p.Gln56Alafs*5) variant in the SDHAF2 gene has been classified as pathogenic.

This study involves interpretation of variants in research participants for the purpose of population health screening. Participant phenotype was not available at the time of variant classification. Additional details can be found in publication PMID: 35346344, PMCID: PMC8962531

Literature cited by the submitters: PubMed 22241717; PubMed 26096992; PubMed 31687641.